The following is an entry in ClinVar:

NM_005535.3(IL12RB1):c.832A>G (p.Thr278Ala)

Gene: IL12RB1 (interleukin 12 receptor subunit beta 1; minus strand). Cytogenetic location: 19p13.11.
Variant type: single nucleotide variant.
Coding change: c.832A>G on transcript NM_005535.3 (MANE Select); coding-DNA position 832, A replaced by G.
Protein change: p.Thr278Ala; replaces threonine 278 with alanine.
Molecular consequence: missense variant.
Genome position (GRCh38, 1-based): chr19:18,072,301, T>C on the plus strand (A>G on the coding strand, the complement: IL12RB1 is on the minus strand). VCF-style: chr19-18072301-T-C. GRCh37 (hg19) VCF-style: chr19-18183111-T-C.
Other names: c.832A>G, p.Thr278Ala (NM_001290023.2, NM_153701.3); c.952A>G, p.Thr318Ala (NM_001290024.2); short protein forms T318A, T278A.
Identifiers: ClinVar variation 1494748 (VCV001494748.5), dbSNP rs761302373, ClinGen allele CA9305050.

ClinVar aggregate classification (germline): Conflicting classifications of pathogenicity. Review status: criteria provided, conflicting classifications (1 of 4 stars). 2 submissions from 2 submitters: Uncertain significance (1); Likely benign (1). Last evaluated 2026-01-20.

Conditions:
Mendelian susceptibility to mycobacterial diseases due to complete IL12RB1 deficiency. Also called: Immunodeficiency 30; IL12RB1 DEFICIENCY. Identifiers: Orphanet 319552, MedGen C4013949, MONDO:0013955, OMIM 614891.
Inborn genetic diseases. Identifiers: MedGen C0950123, MeSH D030342.

Allele frequency attached by ClinVar (database versions not stated): TOPMed below 0.00001; gnomAD 0.00001; ExAC 0.00002; gnomAD exomes 0.00002.
gnomAD v4.1: 26 of 1,613,942 alleles (0.0016%); highest among the groups gnomAD compares: Non-Finnish European, 0.0019%; no homozygotes.

Submissions (2):

Labcorp Genetics (formerly Invitae), Labcorp
Classification: Uncertain significance for Mendelian susceptibility to mycobacterial diseases due to complete IL12RB1 deficiency. Last evaluated: 2026-01-20. Review status: criteria provided, single submitter. Criteria: Invitae Variant Classification Sherloc (09022015). Collection method: clinical testing. Allele origin: germline.
Comment: This sequence change replaces threonine, which is neutral and polar, with alanine, which is neutral and non-polar, at codon 278 of the IL12RB1 protein (p.Thr278Ala). This variant is present in population databases (rs761302373, gnomAD 0.004%). This variant has not been reported in the literature in individuals affected with IL12RB1-related conditions. ClinVar contains an entry for this variant (Variation ID: 1494748). Invitae Evidence Modeling of protein sequence and biophysical properties (such as structural, functional, and spatial information, amino acid conservation, physicochemical variation, residue mobility, and thermodynamic stability) indicates that this missense variant is not expected to disrupt IL12RB1 protein function with a negative predictive value of 80%. In summary, the available evidence is currently insufficient to determine the role of this variant in disease. Therefore, it has been classified as a Variant of Uncertain Significance.

Ambry Genetics
Classification: Likely benign for Inborn genetic diseases. Last evaluated: 2025-11-26. Review status: criteria provided, single submitter. Criteria: Ambry Variant Classification Scheme 2023. Collection method: clinical testing. Allele origin: germline.